The following is an entry in ClinVar:

NM_015509.4(NECAP1):c.664G>A (p.Gly222Ser)

Gene: NECAP1 (NECAP endocytosis associated 1; plus strand). Cytogenetic location: 12p13.31.
Variant type: single nucleotide variant.
Coding change: c.664G>A on transcript NM_015509.4 (MANE Select); coding-DNA position 664, G replaced by A.
Protein change: p.Gly222Ser; replaces glycine 222 with serine.
Molecular consequence: missense variant. On other transcripts: non-coding transcript variant (1).
Genome position (GRCh38, 1-based): chr12:8,093,043, G>A. VCF-style: chr12-8093043-G-A. GRCh37 (hg19) VCF-style: chr12-8245639-G-A.
Other names: short protein forms G222S.
Identifiers: ClinVar variation 2162232 (VCV002162232.1), dbSNP rs2498179977, ClinGen allele CA383801240.
Genomic context (GRCh38, chr12:8,093,043, plus strand): 5'-TCCTCAGTTGCCATCAGCAATCATGTCACCCCACCACCCATTCCGAAATCTAACCATGGA[G>A]GCAGTGATGCAGGTAAATCTAGTACTTCTAATTTTGAGAAATCCAATCTTATGTTTTAAT-3'
Protein context (NP_056324.2, residues 212-232): PPPIPKSNHG[Gly222Ser]SDADILLDLD

ClinVar aggregate classification (germline): Uncertain significance (1 of 4 stars; one submission).

Conditions:
Developmental and epileptic encephalopathy, 21 (DEE21). Also called: Early infantile epileptic encephalopathy 21. Identifiers: Orphanet 442835, MedGen C4014430, MONDO:0014360, OMIM 615833.

Allele frequency attached by ClinVar (database versions not stated): gnomAD exomes below 0.00001.
gnomAD v4.1: 3 of 1,613,966 alleles (0.00019%); highest among the groups gnomAD compares: East Asian, 0.0022%; no homozygotes.

Submission:

Labcorp Genetics (formerly Invitae), Labcorp
Classification: Uncertain significance for Developmental and epileptic encephalopathy, 21. Last evaluated: 2022-04-01. Review status: criteria provided, single submitter. Criteria: Invitae Variant Classification Sherloc (09022015). Collection method: clinical testing. Allele origin: germline.
Comment: This sequence change replaces glycine, which is neutral and non-polar, with serine, which is neutral and polar, at codon 222 of the NECAP1 protein (p.Gly222Ser). This variant is not present in population databases (gnomAD no frequency). This variant has not been reported in the literature in individuals affected with NECAP1-related conditions. Algorithms developed to predict the effect of missense changes on protein structure and function output the following: SIFT: "Deleterious"; PolyPhen-2: "Benign"; Align-GVGD: "Class C0". The serine amino acid residue is found in multiple mammalian species, which suggests that this missense change does not adversely affect protein function. In summary, the available evidence is currently insufficient to determine the role of this variant in disease. Therefore, it has been classified as a Variant of Uncertain Significance.